The following is an entry in ClinVar:

NM_007294.4(BRCA1):c.5040T>C (p.Ile1680=)

Gene: BRCA1 (BRCA1 DNA repair associated; minus strand). Cytogenetic location: 17q21.31.
Variant type: single nucleotide variant.
Coding change: c.5040T>C on transcript NM_007294.4 (MANE Select); coding-DNA position 5040, T replaced by C.
Protein change: p.Ile1680=; no amino-acid change (isoleucine 1680 retained).
Molecular consequence: synonymous variant. On other transcripts: intron variant (1).
Genome position (GRCh38, 1-based): chr17:43,067,642, A>G on the plus strand (T>C on the coding strand, the complement: BRCA1 is on the minus strand). VCF-style: chr17-43067642-A-G. GRCh37 (hg19) VCF-style: chr17-41219659-A-G.
Other names: c.1650T>C, p.Ile550= (NM_001408412.1, NM_001408413.1, NM_001408414.1 and 2 more transcripts); c.1614T>C, p.Ile538= (NM_001408418.1, NM_001408419.1, NM_001408420.1); c.1611T>C, p.Ile537= (NM_001408421.1, NM_001408422.1, NM_001408423.1 and 1 more transcripts); c.1608T>C, p.Ile536= (NM_001408425.1, NM_001408426.1, NM_001408427.1 and 4 more transcripts); c.1605T>C, p.Ile535= (NM_001408432.1, NM_001408433.1, NM_001408434.1 and 10 more transcripts); c.1602T>C, p.Ile534= (NM_001408445.1, NM_001408446.1, NM_001408447.1 and 2 more transcripts); c.1596T>C, p.Ile532= (NM_001408451.1); c.1590T>C, p.Ile530= (NM_001408452.1, NM_001408453.1, NM_001408454.1 and 3 more transcripts); and 71 more.
Identifiers: ClinVar variation 868954 (VCV000868954.3), dbSNP rs2052169752, ClinGen allele CA500146341.
Genomic context (GRCh38, chr17:43,067,642, plus strand): 5'-GTATTCTGTAAAGGTTCTTGGTATACCTGTTTTCATAACAACATGAGTAGTCTCTTCAGT[A>G]ATTAGATTAGTTAAAGTGATGTGGTGTTTTCTGGCAAACTTGTACACGAGCATCTGAAAT-3'
Protein context (NP_009225.1, residues 1670-1690): RKHHITLTNL[Ile1680=]TEETTHVVMK

Conditions:
Breast-ovarian cancer, familial, susceptibility to, 1 (BROVCA1). Also called: BRCA1 Hereditary Breast and Ovarian Cancer; OVARIAN CANCER, SUSCEPTIBILITY TO. Identifiers: Orphanet 145, MedGen C2676676, MONDO:0011450, OMIM 604370. Disease mechanism: loss of function.

Submission:

Brotman Baty Institute, University of Washington
No classification provided (evidence only). Condition: Breast-ovarian cancer, familial 1. Review status: no classification provided. Collection method: in vitro. Allele origin: not applicable. Functional consequence: functionally_normal.
ClinVar note: "not provided" was previously submitted as the classification for the variant. However, the classification appeared to be based only on an observation of functional data so it was converted to no classification on 2025-07-30.